The following is an entry in ClinVar:

NM_018077.3(RBM28):c.2019C>A (p.Leu673=)

Gene: RBM28 (RNA binding motif protein 28; minus strand). Cytogenetic location: 7q32.1.
Variant type: single nucleotide variant.
Coding change: c.2019C>A on transcript NM_018077.3 (MANE Select); coding-DNA position 2019, C replaced by A.
Protein change: p.Leu673=; no amino-acid change (leucine 673 retained).
Molecular consequence: synonymous variant.
Genome position (GRCh38, 1-based): chr7:128,314,790, G>T on the plus strand (C>A on the coding strand, the complement: RBM28 is on the minus strand). VCF-style: chr7-128314790-G-T. GRCh37 (hg19) VCF-style: chr7-127954843-G-T.
Other names: c.1596C>A, p.Leu532= (NM_001166135.2).
Identifiers: ClinVar variation 3041149 (VCV003041149.2), dbSNP rs566624063, ClinGen allele CA4469848.

ClinVar aggregate classification (germline): Likely benign (0 of 4 stars; one submission).

Conditions:
RBM28-related disorder. Also called: RBM28-related condition.

Allele frequency attached by ClinVar (database versions not stated): TOPMed below 0.00001; gnomAD 0.00001; ExAC 0.00002; 1000 Genomes Project 30x 0.00016; 1000 Genomes Project 0.00020.
gnomAD v4.1: 59 of 1,614,188 alleles (0.0037%); highest among the groups gnomAD compares: Non-Finnish European, 0.0048%; no homozygotes.

Submission:

PreventionGenetics, part of Exact Sciences
Classification: Likely benign for RBM28-related condition. Last evaluated: 2019-09-09. Review status: no assertion criteria provided. Collection method: clinical testing. Allele origin: germline.
Comment: This variant is classified as likely benign based on ACMG/AMP sequence variant interpretation guidelines (Richards et al. 2015 PMID: 25741868, with internal and published modifications).